The following is an entry in ClinVar:

ClinVar aggregate classification (germline): Uncertain significance. Review status: criteria provided, multiple submitters, no conflicts (2 of 4 stars). 3 submissions from 3 submitters: Uncertain significance (3). Last evaluated 2025-09-26.

Conditions:
Inborn genetic diseases. Identifiers: MedGen C0950123, MeSH D030342.

Allele frequency attached by ClinVar (database versions not stated): gnomAD 0.00001; gnomAD exomes 0.00001; TOPMed 0.00001; ExAC 0.00002.

Submissions (3):

Ambry Genetics
Classification: Uncertain significance for Inborn genetic diseases. Last evaluated: 2025-09-26. Review status: criteria provided, single submitter. Criteria: Ambry Variant Classification Scheme 2023. Collection method: clinical testing. Allele origin: germline.

CeGaT Center for Human Genetics Tuebingen
Classification: Uncertain significance. Last evaluated: 2022-11-01. Review status: criteria provided, single submitter. Criteria: CeGaT Center For Human Genetics Tuebingen Variant Classification Criteria Version 2. Collection method: clinical testing. Allele origin: germline. Affected: yes. Observed: 1 variant allele.
Comment: ZBTB24: PM2

Blueprint Genetics
Classification: Uncertain significance. Last evaluated: 2022-08-19. Review status: criteria provided, single submitter. Criteria: ACMG Guidelines, 2015. Collection method: clinical testing. Allele origin: germline.

NM_014797.3(ZBTB24):c.1207C>T (p.His403Tyr)

Gene: ZBTB24 (zinc finger and BTB domain containing 24; minus strand). Cytogenetic location: 6q21.
Variant type: single nucleotide variant.
Coding change: c.1207C>T on transcript NM_014797.3 (MANE Select); coding-DNA position 1207, C replaced by T.
Protein change: p.His403Tyr; replaces histidine 403 with tyrosine.
Molecular consequence: missense variant.
Genome position (GRCh38, 1-based): chr6:109,475,480, G>A on the plus strand (C>T on the coding strand, the complement: ZBTB24 is on the minus strand). VCF-style: chr6-109475480-G-A. GRCh37 (hg19) VCF-style: chr6-109796683-G-A.
Other names: short protein forms H403Y.
Identifiers: ClinVar variation 2363877 (VCV002363877.27), dbSNP rs757239905, ClinGen allele CA3954137.